The following is an entry in ClinVar:

ClinVar aggregate classification (germline): Uncertain significance. Review status: criteria provided, multiple submitters, no conflicts (2 of 4 stars). 2 submissions from 2 submitters: Uncertain significance (2). Last evaluated 2023-10-30.

Conditions:
Alagille syndrome due to a JAG1 point mutation. Also called: Alagille Syndrome 1; JAG1-Related Alagille Syndrome; HEPATIC DUCTULAR HYPOPLASIA, SYNDROMATIC. Identifiers: Orphanet 261619, Orphanet 52, MedGen C1956125, MONDO:0016862, OMIM 118450.

Submissions (2):

Labcorp Genetics (formerly Invitae), Labcorp
Classification: Uncertain significance for Alagille syndrome due to a JAG1 point mutation. Last evaluated: 2023-10-30. Review status: criteria provided, single submitter. Criteria: Invitae Variant Classification Sherloc (09022015). Collection method: clinical testing. Allele origin: germline.
Comment: This sequence change replaces asparagine, which is neutral and polar, with threonine, which is neutral and polar, at codon 197 of the JAG1 protein (p.Asn197Thr). This variant is not present in population databases (gnomAD no frequency). This variant has not been reported in the literature in individuals affected with JAG1-related conditions. Advanced modeling of protein sequence and biophysical properties (such as structural, functional, and spatial information, amino acid conservation, physicochemical variation, residue mobility, and thermodynamic stability) performed at Invitae indicates that this missense variant is not expected to disrupt JAG1 protein function with a negative predictive value of 95%. In summary, the available evidence is currently insufficient to determine the role of this variant in disease. Therefore, it has been classified as a Variant of Uncertain Significance.

Blueprint Genetics
Classification: Uncertain significance. Last evaluated: 2021-02-09. Review status: criteria provided, single submitter. Criteria: ACMG Guidelines, 2015. Collection method: clinical testing. Allele origin: germline.

NM_000214.3(JAG1):c.590A>C (p.Asn197Thr)

Gene: JAG1 (jagged canonical Notch ligand 1; minus strand). Cytogenetic location: 20p12.2.
Variant type: single nucleotide variant.
Coding change: c.590A>C on transcript NM_000214.3 (MANE Select); coding-DNA position 590, A replaced by C.
Protein change: p.Asn197Thr; replaces asparagine 197 with threonine.
Molecular consequence: missense variant.
Genome position (GRCh38, 1-based): chr20:10,658,572, T>G on the plus strand (A>C on the coding strand, the complement: JAG1 is on the minus strand). VCF-style: chr20-10658572-T-G. GRCh37 (hg19) VCF-style: chr20-10639220-T-G.
Other names: short protein forms N197T.
Identifiers: ClinVar variation 2768745 (VCV002768745.4), dbSNP rs2122623617, ClinGen allele CA408240150.
Genomic context (GRCh38, chr20:10,658,572, plus strand): 5'-TTGCCATTCTGGTCACAGGCATAGTGTCCAAAGAAGTCATCTCTGGGGCGGCAGAACTTA[T>G]TGCAGCCAAAGCCATAGTAGTAGTCATCACAGGTCACGCGGATCTGATACTCAAAGTGGG-3'
Protein context (NP_000205.1, residues 187-207): CDDYYYGFGC[Asn197Thr]KFCRPRDDFF